The following is an entry in ClinVar:

NM_006577.6(B3GNT2):c.1098C>T (p.Ile366=)

Gene: B3GNT2 (UDP-GlcNAc:betaGal beta-1,3-N-acetylglucosaminyltransferase 2; plus strand). Cytogenetic location: 2p15.
Variant type: single nucleotide variant.
Coding change: c.1098C>T on transcript NM_006577.6 (MANE Select); coding-DNA position 1098, C replaced by T.
Protein change: p.Ile366=; no amino-acid change (isoleucine 366 retained).
Molecular consequence: synonymous variant.
Genome position (GRCh38, 1-based): chr2:62,223,318, C>T. VCF-style: chr2-62223318-C-T. GRCh37 (hg19) VCF-style: chr2-62450453-C-T.
Other names: c.1098C>T, p.Ile366= (NM_001319075.2).
Identifiers: ClinVar variation 4873806 (VCV004873806.2).
Genomic context (GRCh38, chr2:62,223,318, plus strand): 5'-TCCAGAGAAACACAAAGGCTTCAGGACATTTGATATCGAGGAGAAAAACAAAAATAACAT[C>T]TGCTCCTATGTAGATCTGATGTTAGTACATAGTAGAAAACCTCAAGAGATGATTGATATT-3'
Protein context (NP_006568.2, residues 356-376): FDIEEKNKNN[Ile366=]CSYVDLMLVH

ClinVar aggregate classification (germline): Likely benign (1 of 4 stars; one submission).

Submission:

CeGaT Center for Human Genetics Tuebingen
Classification: Likely benign. Last evaluated: 2026-05-01. Review status: criteria provided, single submitter. Criteria: CeGaT Center For Human Genetics Tuebingen Variant Classification Criteria Version 2. Collection method: clinical testing. Allele origin: germline. Affected: yes. Observed: 1 variant allele.
Comment: B3GNT2: BP4, BP7